The following is an entry in ClinVar:

ClinVar aggregate classification (germline): Likely benign. Review status: criteria provided, multiple submitters, no conflicts (2 of 4 stars). 2 submissions from 2 submitters: Likely benign (2). Last evaluated 2026-07-01.

Allele frequency attached by ClinVar (database versions not stated): gnomAD exomes 0.00004 and 0.00006; ExAC 0.00009; gnomAD 0.00013; ESP Exome Variant Server 0.00015; 1000 Genomes Project 30x 0.00016; 1000 Genomes Project 0.00020; TOPMed 0.00021.
gnomAD v4.1: 86 of 1,614,108 alleles (0.0053%); highest among the groups gnomAD compares: African/African-American, 0.04%; no homozygotes.

Submissions (2):

CeGaT Center for Human Genetics Tuebingen
Classification: Likely benign. Last evaluated: 2026-07-01. Review status: criteria provided, single submitter. Criteria: CeGaT Center For Human Genetics Tuebingen Variant Classification Criteria Version 2. Collection method: clinical testing. Allele origin: germline. Affected: yes. Observed: 1 variant allele.
Comment: TBX4: BP4, BP7

Labcorp Genetics (formerly Invitae), Labcorp
Classification: Likely benign. Last evaluated: 2018-06-25. Review status: criteria provided, single submitter. Criteria: Invitae Variant Classification Sherloc (09022015). Collection method: clinical testing. Allele origin: germline.

NM_001321120.2(TBX4):c.1317G>A (p.Pro439=)

Gene: TBX4 (T-box transcription factor 4; plus strand). Cytogenetic location: 17q23.2.
Variant type: single nucleotide variant.
Coding change: c.1317G>A on transcript NM_001321120.2 (MANE Select); coding-DNA position 1317, G replaced by A.
Protein change: p.Pro439=; no amino-acid change (proline 439 retained).
Molecular consequence: synonymous variant.
Genome position (GRCh38, 1-based): chr17:61,483,192, G>A. VCF-style: chr17-61483192-G-A. GRCh37 (hg19) VCF-style: chr17-59560553-G-A.
Other names: c.1314G>A, p.Pro438= (NM_018488.3).
Identifiers: ClinVar variation 749170 (VCV000749170.4), dbSNP rs373379452, ClinGen allele CA8690069.